The following is an entry in ClinVar:

NM_004174.4(SLC9A3):c.2423G>A (p.Ser808Asn)

Genes: SLC9A3 (solute carrier family 9 member A3), SLC9A3-AS1 (SLC9A3 antisense RNA 1; plus strand). Cytogenetic location: 5p15.33.
Variant type: single nucleotide variant.
Coding change: c.2423G>A on transcript NM_004174.4 (MANE Select); coding-DNA position 2423, G replaced by A.
Protein change: p.Ser808Asn; replaces serine 808 with asparagine.
Molecular consequence: missense variant.
Genome position (GRCh38, 1-based): chr5:474,961, C>T on the plus strand (G>A on the coding strand, the complement: SLC9A3 is on the minus strand). VCF-style: chr5-474961-C-T. GRCh37 (hg19) VCF-style: chr5-475076-C-T.
Other names: c.2396G>A, p.Ser799Asn (NM_001284351.3); short protein forms S808N, S799N.
Identifiers: ClinVar variation 1388440 (VCV001388440.5), dbSNP rs201053062, ClinGen allele CA3175458.

ClinVar aggregate classification (germline): Uncertain significance (1 of 4 stars; one submission).

Allele frequency attached by ClinVar (database versions not stated): gnomAD exomes 0.00006 and 0.00012; ExAC 0.00019; ESP Exome Variant Server 0.00031; gnomAD 0.00044 and 0.00046; 1000 Genomes Project 30x 0.00047; TOPMed 0.00050; 1000 Genomes Project 0.00060.

Submission:

Labcorp Genetics (formerly Invitae), Labcorp
Classification: Uncertain significance. Last evaluated: 2022-03-01. Review status: criteria provided, single submitter. Criteria: Invitae Variant Classification Sherloc (09022015). Collection method: clinical testing. Allele origin: germline.
Comment: This sequence change replaces serine, which is neutral and polar, with asparagine, which is neutral and polar, at codon 808 of the SLC9A3 protein (p.Ser808Asn). This variant is present in population databases (rs201053062, gnomAD 0.2%). This variant has not been reported in the literature in individuals affected with SLC9A3-related conditions. Algorithms developed to predict the effect of missense changes on protein structure and function output the following: SIFT: "Not Available"; PolyPhen-2: "Benign"; Align-GVGD: "Not Available". The asparagine amino acid residue is found in multiple mammalian species, which suggests that this missense change does not adversely affect protein function. In summary, the available evidence is currently insufficient to determine the role of this variant in disease. Therefore, it has been classified as a Variant of Uncertain Significance.